The following is an entry in ClinVar:

NM_001113378.2(FANCI):c.706T>C (p.Phe236Leu)

Gene: FANCI (FA complementation group I; plus strand). Cytogenetic location: 15q26.1.
Variant type: single nucleotide variant.
Coding change: c.706T>C on transcript NM_001113378.2 (MANE Select); coding-DNA position 706, T replaced by C.
Protein change: p.Phe236Leu; replaces phenylalanine 236 with leucine.
Molecular consequence: missense variant.
Genome position (GRCh38, 1-based): chr15:89,264,558, T>C. VCF-style: chr15-89264558-T-C. GRCh37 (hg19) VCF-style: chr15-89807789-T-C.
Other names: c.427T>C, p.Phe143Leu (NM_001376910.1); c.706T>C, p.Phe236Leu (NM_001376911.1, NM_018193.3); short protein forms F143L, F236L.
Identifiers: ClinVar variation 1021342 (VCV001021342.4), dbSNP rs1356319036, ClinGen allele CA393739498.

ClinVar aggregate classification (germline): Uncertain significance (1 of 4 stars; one submission).

Conditions:
Fanconi anemia (FA). Also called: Fanconi's anemia. Identifiers: Orphanet 84, MedGen C0015625, MeSH D005199, MONDO:0019391.

gnomAD v4.1: 2 of 1,613,928 alleles (0.00012%); highest among the groups gnomAD compares: Non-Finnish European, 0.00017%; no homozygotes.

Submission:

Labcorp Genetics (formerly Invitae), Labcorp
Classification: Uncertain significance for Fanconi anemia. Last evaluated: 2021-09-21. Review status: criteria provided, single submitter. Criteria: Invitae Variant Classification Sherloc (09022015). Collection method: clinical testing. Allele origin: germline.
Comment: This sequence change replaces phenylalanine with leucine at codon 236 of the FANCI protein (p.Phe236Leu). The phenylalanine residue is moderately conserved and there is a small physicochemical difference between phenylalanine and leucine. This variant is not present in population databases (ExAC no frequency). This variant has not been reported in the literature in individuals affected with FANCI-related conditions. Algorithms developed to predict the effect of missense changes on protein structure and function (SIFT, PolyPhen-2, Align-GVGD) all suggest that this variant is likely to be tolerated. In summary, the available evidence is currently insufficient to determine the role of this variant in disease. Therefore, it has been classified as a Variant of Uncertain Significance.